The following is an entry in ClinVar:

ClinVar aggregate classification (germline): Uncertain significance (1 of 4 stars; one submission).

Allele frequency attached by ClinVar (database versions not stated): gnomAD 0.00001.
gnomAD v4.1: 2 of 1,584,118 alleles (0.00013%); highest among the groups gnomAD compares: South Asian, 0.0011%; no homozygotes.

Submission:

Labcorp Genetics (formerly Invitae), Labcorp
Classification: Uncertain significance. Last evaluated: 2022-12-07. Review status: criteria provided, single submitter. Criteria: Invitae Variant Classification Sherloc (09022015). Collection method: clinical testing. Allele origin: germline.
Comment: In summary, the available evidence is currently insufficient to determine the role of this variant in disease. Therefore, it has been classified as a Variant of Uncertain Significance. Algorithms developed to predict the effect of missense changes on protein structure and function are either unavailable or do not agree on the potential impact of this missense change (SIFT: "Deleterious"; PolyPhen-2: "Probably Damaging"; Align-GVGD: "Class C0"). This variant has not been reported in the literature in individuals affected with MAST1-related conditions. This variant is not present in population databases (gnomAD no frequency). This sequence change replaces lysine, which is basic and polar, with arginine, which is basic and polar, at codon 1251 of the MAST1 protein (p.Lys1251Arg).

NM_014975.3(MAST1):c.3752A>G (p.Lys1251Arg)

Gene: MAST1 (microtubule associated serine/threonine kinase 1; plus strand). Cytogenetic location: 19p13.13.
Variant type: single nucleotide variant.
Coding change: c.3752A>G on transcript NM_014975.3 (MANE Select); coding-DNA position 3752, A replaced by G.
Protein change: p.Lys1251Arg; replaces lysine 1251 with arginine.
Molecular consequence: missense variant.
Genome position (GRCh38, 1-based): chr19:12,873,909, A>G. VCF-style: chr19-12873909-A-G. GRCh37 (hg19) VCF-style: chr19-12984723-A-G.
Other names: short protein forms K1251R.
Identifiers: ClinVar variation 2777535 (VCV002777535.3), dbSNP rs1970274225, ClinGen allele CA404289013.